The following is an entry in ClinVar:

NM_080680.3(COL11A2):c.3202G>C (p.Val1068Leu)

Gene: COL11A2 (collagen type XI alpha 2 chain; minus strand). Cytogenetic location: 6p21.32.
Variant type: single nucleotide variant.
Coding change: c.3202G>C on transcript NM_080680.3 (MANE Select); coding-DNA position 3202, G replaced by C.
Protein change: p.Val1068Leu; replaces valine 1068 with leucine.
Molecular consequence: missense variant.
Genome position (GRCh38, 1-based): chr6:33,171,523, C>G on the plus strand (G>C on the coding strand, the complement: COL11A2 is on the minus strand). VCF-style: chr6-33171523-C-G. GRCh37 (hg19) VCF-style: chr6-33139300-C-G.
Other names: c.3022G>C, p.Val1008Leu (NM_001424108.1); c.2356G>C, p.Val786Leu (NM_001424109.1); c.2176G>C, p.Val726Leu (NM_001424110.1, NM_001424111.1); c.1156G>C, p.Val386Leu (NM_001424112.1); c.2881G>C, p.Val961Leu (NM_080679.3); c.2944G>C, p.Val982Leu (NM_080681.3); short protein forms V1008L, V1068L, V386L, V726L, V786L, V961L, V982L.
Identifiers: ClinVar variation 3354423 (VCV003354423.3).

ClinVar aggregate classification (germline): Uncertain significance. Review status: criteria provided, single submitter (1 of 4 stars). 2 submissions from 2 submitters: Uncertain significance (1). 1 of the submissions does not count toward it. Last evaluated 2024-09-24.

Conditions:
COL11A2-related disorder. Also called: COL11A2-related condition; COL11A2-related disorders.

Submissions (2):

Labcorp Genetics (formerly Invitae), Labcorp
Classification: Uncertain significance. Last evaluated: 2024-09-24. Review status: criteria provided, single submitter. Criteria: Invitae Variant Classification Sherloc (09022015). Collection method: clinical testing. Allele origin: germline.
Comment: This sequence change replaces valine, which is neutral and non-polar, with leucine, which is neutral and non-polar, at codon 1068 of the COL11A2 protein (p.Val1068Leu). This variant is not present in population databases (gnomAD no frequency). This variant has not been reported in the literature in individuals affected with COL11A2-related conditions. Invitae Evidence Modeling of protein sequence and biophysical properties (such as structural, functional, and spatial information, amino acid conservation, physicochemical variation, residue mobility, and thermodynamic stability) indicates that this missense variant is not expected to disrupt COL11A2 protein function with a negative predictive value of 95%. In summary, the available evidence is currently insufficient to determine the role of this variant in disease. Therefore, it has been classified as a Variant of Uncertain Significance.

PreventionGenetics, part of Exact Sciences
Classification: Uncertain significance for COL11A2-related condition. Last evaluated: 2024-09-14. Review status: no assertion criteria provided. Collection method: clinical testing. Allele origin: germline. Not counted in ClinVar's aggregate classification.
Comment: The COL11A2 c.3202G>C variant is predicted to result in the amino acid substitution p.Val1068Leu. To our knowledge, this variant has not been reported in the literature or in a large population database, indicating this variant is rare. At this time, the clinical significance of this variant is uncertain due to the absence of conclusive functional and genetic evidence.